The following is an entry in ClinVar:

ClinVar aggregate classification (germline): Uncertain significance. Review status: criteria provided, multiple submitters, no conflicts (2 of 4 stars). 5 submissions from 5 submitters: Uncertain significance (5). Last evaluated 2025-07-15.

Allele frequency attached by ClinVar (database versions not stated): gnomAD exomes 0.00004 and 0.00009; gnomAD 0.00006 and 0.00005; ExAC 0.00006; TOPMed 0.00007.
gnomAD v4.1: 72 of 1,612,688 alleles (0.0045%); highest among the groups gnomAD compares: Middle Eastern, 0.16%; no homozygotes.

Submissions (5):

GeneDx
Classification: Uncertain significance. Last evaluated: 2025-07-15. Review status: criteria provided, single submitter. Criteria: GeneDx Variant Classification Process June 2021. Collection method: clinical testing. Allele origin: germline.
Comment: In silico analysis suggests that this missense variant does not alter protein structure/function; Has not been previously published as pathogenic or benign to our knowledge

Ambry Genetics
Classification: Uncertain significance. Last evaluated: 2025-02-20. Review status: criteria provided, single submitter. Criteria: Ambry Variant Classification Scheme 2023. Collection method: clinical testing. Allele origin: germline.

Labcorp Genetics (formerly Invitae), Labcorp
Classification: Uncertain significance. Last evaluated: 2024-10-15. Review status: criteria provided, single submitter. Criteria: Invitae Variant Classification Sherloc (09022015). Collection method: clinical testing. Allele origin: germline.
Comment: This sequence change replaces alanine, which is neutral and non-polar, with glycine, which is neutral and non-polar, at codon 340 of the RCBTB1 protein (p.Ala340Gly). This variant is present in population databases (rs772129159, gnomAD 0.01%). This variant has not been reported in the literature in individuals affected with RCBTB1-related conditions. ClinVar contains an entry for this variant (Variation ID: 857192). Invitae Evidence Modeling of protein sequence and biophysical properties (such as structural, functional, and spatial information, amino acid conservation, physicochemical variation, residue mobility, and thermodynamic stability) indicates that this missense variant is not expected to disrupt RCBTB1 protein function with a negative predictive value of 80%. In summary, the available evidence is currently insufficient to determine the role of this variant in disease. Therefore, it has been classified as a Variant of Uncertain Significance.

Blueprint Genetics
Classification: Uncertain significance. Last evaluated: 2024-06-11. Review status: criteria provided, single submitter. Criteria: ACMG Guidelines, 2015. Collection method: clinical testing. Allele origin: germline.

Breakthrough Genomics
Classification: Uncertain significance. Review status: criteria provided, single submitter. Criteria: ACMG Guidelines, 2015. Collection method: not provided. Allele origin: germline. Inheritance: Autosomal recessive inheritance. Affected: yes.

NM_018191.4(RCBTB1):c.1019C>G (p.Ala340Gly)

Gene: RCBTB1 (RCC1 and BTB domain containing protein 1; minus strand). Cytogenetic location: 13q14.2.
Variant type: single nucleotide variant.
Coding change: c.1019C>G on transcript NM_018191.4 (MANE Select); coding-DNA position 1019, C replaced by G.
Protein change: p.Ala340Gly; replaces alanine 340 with glycine.
Molecular consequence: missense variant. On other transcripts: non-coding transcript variant (2).
Genome position (GRCh38, 1-based): chr13:49,549,484, G>C on the plus strand (C>G on the coding strand, the complement: RCBTB1 is on the minus strand). VCF-style: chr13-49549484-G-C. GRCh37 (hg19) VCF-style: chr13-50123620-G-C.
Other names: c.1019C>G, p.Ala340Gly (NM_001352500.2, NM_001352501.2, NM_001352502.2 and 3 more transcripts); c.440C>G, p.Ala147Gly (NM_001352506.2); short protein forms A147G, A340G.
Identifiers: ClinVar variation 857192 (VCV000857192.10), dbSNP rs772129159, ClinGen allele CA6982709.